The following is an entry in ClinVar:

NM_006231.4(POLE):c.3622A>C (p.Ser1208Arg)

Gene: POLE (DNA polymerase epsilon, catalytic subunit; minus strand). Cytogenetic location: 12q24.33.
Variant type: single nucleotide variant.
Coding change: c.3622A>C on transcript NM_006231.4 (MANE Select); coding-DNA position 3622, A replaced by C.
Protein change: p.Ser1208Arg; replaces serine 1208 with arginine.
Molecular consequence: missense variant.
Genome position (GRCh38, 1-based): chr12:132,649,850, T>G on the plus strand (A>C on the coding strand, the complement: POLE is on the minus strand). VCF-style: chr12-132649850-T-G. GRCh37 (hg19) VCF-style: chr12-133226436-T-G.
Other names: short protein forms S1208R.
Identifiers: ClinVar variation 568514 (VCV000568514.14), dbSNP rs1207616449, ClinGen allele CA387386951.
Genomic context (GRCh38, chr12:132,649,850, plus strand): 5'-TGACAGGGGCTGCTGGGTGAGGCAGCTTTACGAGGCCGAAGTCCTCCATGTCAGGAGCAC[T>G]TGGCCTCGGACTGTCTTCTGAGGCCTCGGCCATCGTGACCTGGAAAGACCCAGTGAAGCC-3'
Protein context (NP_006222.2, residues 1198-1218): AEASEDSPRP[Ser1208Arg]APDMEDFGLV

ClinVar aggregate classification (germline): Uncertain significance. Review status: criteria provided, multiple submitters, no conflicts (2 of 4 stars). 2 submissions from 2 submitters: Uncertain significance (2). Last evaluated 2026-01-18.

Conditions:
Hereditary cancer-predisposing syndrome. Also called: Neoplastic Syndromes, Hereditary; Tumor predisposition; Hereditary neoplastic syndrome; Hereditary Cancer Syndrome. Identifiers: Orphanet 140162, MedGen C0027672, MeSH D009386, MONDO:0015356.

Allele frequency attached by ClinVar (database versions not stated): gnomAD exomes below 0.00001 and 0.00001; TOPMed below 0.00001; gnomAD 0.00001.
gnomAD v4.1: 21 of 1,613,976 alleles (0.0013%); highest among the groups gnomAD compares: Non-Finnish European, 0.0018%; no homozygotes.

Submissions (2):

Labcorp Genetics (formerly Invitae), Labcorp
Classification: Uncertain significance. Last evaluated: 2026-01-18. Review status: criteria provided, single submitter. Criteria: Invitae Variant Classification Sherloc (09022015). Collection method: clinical testing. Allele origin: germline.
Comment: This sequence change replaces serine, which is neutral and polar, with arginine, which is basic and polar, at codon 1208 of the POLE protein (p.Ser1208Arg). This variant is present in population databases (no rsID available, gnomAD 0.0009%). This variant has not been reported in the literature in individuals affected with POLE-related conditions. ClinVar contains an entry for this variant (Variation ID: 568514). Invitae Evidence Modeling of protein sequence and biophysical properties (such as structural, functional, and spatial information, amino acid conservation, physicochemical variation, residue mobility, and thermodynamic stability) indicates that this missense variant is not expected to disrupt POLE protein function with a negative predictive value of 80%. In summary, the available evidence is currently insufficient to determine the role of this variant in disease. Therefore, it has been classified as a Variant of Uncertain Significance.

Ambry Genetics
Classification: Uncertain significance for Hereditary cancer-predisposing syndrome. Last evaluated: 2024-05-21. Review status: criteria provided, single submitter. Criteria: Ambry Variant Classification Scheme 2023. Collection method: clinical testing. Allele origin: germline.
Comment: The p.S1208R variant (also known as c.3622A>C), located in coding exon 30 of the POLE gene, results from an A to C substitution at nucleotide position 3622. The serine at codon 1208 is replaced by arginine, an amino acid with dissimilar properties. This amino acid position is conserved. In addition, this alteration is predicted to be tolerated by in silico analysis. Since supporting evidence is limited at this time, the clinical significance of this alteration remains unclear.